The following is an entry in ClinVar:

NM_001374504.1(TMPRSS6):c.2185C>T (p.Arg729Cys)

Gene: TMPRSS6 (transmembrane serine protease 6; minus strand). Cytogenetic location: 22q12.3.
Variant type: single nucleotide variant.
Coding change: c.2185C>T on transcript NM_001374504.1 (MANE Select); coding-DNA position 2185, C replaced by T.
Protein change: p.Arg729Cys; replaces arginine 729 with cysteine.
Molecular consequence: missense variant.
Genome position (GRCh38, 1-based): chr22:37,066,891, G>A on the plus strand (C>T on the coding strand, the complement: TMPRSS6 is on the minus strand). VCF-style: chr22-37066891-G-A. GRCh37 (hg19) VCF-style: chr22-37462931-G-A.
Other names: c.2251C>T, p.Arg751Cys (NM_001289000.2); c.2185C>T, p.Arg729Cys (NM_001289001.2, NM_153609.4); short protein forms R729C, R751C.
Identifiers: ClinVar variation 2973316 (VCV002973316.3), dbSNP rs761474405, ClinGen allele CA10215306.

ClinVar aggregate classification (germline): Uncertain significance (1 of 4 stars; one submission).

Allele frequency attached by ClinVar (database versions not stated): ExAC 0.00002; gnomAD exomes 0.00002; gnomAD 0.00004; TOPMed 0.00005.
gnomAD v4.1: 33 of 1,614,170 alleles (0.002%); highest among the groups gnomAD compares: Middle Eastern, 0.016%; no homozygotes.

Submission:

Labcorp Genetics (formerly Invitae), Labcorp
Classification: Uncertain significance. Last evaluated: 2022-12-24. Review status: criteria provided, single submitter. Criteria: Invitae Variant Classification Sherloc (09022015). Collection method: clinical testing. Allele origin: germline.
Comment: This sequence change replaces arginine, which is basic and polar, with cysteine, which is neutral and slightly polar, at codon 738 of the TMPRSS6 protein (p.Arg738Cys). This variant is present in population databases (rs761474405, gnomAD 0.003%). This variant has not been reported in the literature in individuals affected with TMPRSS6-related conditions. Algorithms developed to predict the effect of missense changes on protein structure and function are either unavailable or do not agree on the potential impact of this missense change (SIFT: "Deleterious"; PolyPhen-2: "Possibly Damaging"; Align-GVGD: "Class C0"). In summary, the available evidence is currently insufficient to determine the role of this variant in disease. Therefore, it has been classified as a Variant of Uncertain Significance.